The following is an entry in ClinVar:

ClinVar aggregate classification (germline): Pathogenic. Review status: criteria provided, single submitter (1 of 4 stars). 2 submissions from 2 submitters: Pathogenic (1). 1 of the submissions does not count toward it. Last evaluated 2023-07-07.

Conditions:
Alport syndrome 1.

Submissions (2):

Labcorp Genetics (formerly Invitae), Labcorp
Classification: Pathogenic. Last evaluated: 2023-07-07. Review status: criteria provided, single submitter. Criteria: Invitae Variant Classification Sherloc (09022015). Collection method: clinical testing. Allele origin: germline.
Comment: Advanced modeling of protein sequence and biophysical properties (such as structural, functional, and spatial information, amino acid conservation, physicochemical variation, residue mobility, and thermodynamic stability) performed at Invitae indicates that this missense variant is expected to disrupt COL4A5 protein function. This variant disrupts the triple helix domain of COL4A5. Glycine residues within the Gly-Xaa-Yaa repeats of the triple helix domain are required for the structure and stability of fibrillar collagens (PMID: 7695699, 8218237, 19344236). In COL4A5, missense variants at these glycine residues are significantly enriched in individuals with disease (PMID: 23720012, 27627812) compared to the general population (ExAC). This variant disrupts the p.Gly1205 amino acid residue in COL4A5. Other variant(s) that disrupt this residue have been observed in individuals with COL4A5-related conditions (PMID: 8940267, 21505094), which suggests that this may be a clinically significant amino acid residue. For these reasons, this variant has been classified as Pathogenic. ClinVar contains an entry for this variant (Variation ID: 1360173). This sequence change replaces glycine, which is neutral and non-polar, with serine, which is neutral and polar, at codon 1205 of the COL4A5 protein (p.Gly1205Ser). This variant is not present in population databases (gnomAD no frequency). This missense change has been observed in individuals with Alport syndrome (PMID: 20378821, 21505094).

Department of Reproductive Genetics, International Peace Maternity and Child Health Hospital, Shanghai Jiao Tong University School of Medicine
Classification: Likely pathogenic for Alport syndrome 1. Last evaluated: 2025-05-01. Review status: no assertion criteria provided. Collection method: clinical testing. Allele origin: inherited. Affected: yes. Not counted in ClinVar's aggregate classification.

Literature cited by the submitters: PubMed 7695699 (cited by Labcorp Genetics (formerly Invitae), Labcorp); PubMed 8218237 (cited by Labcorp Genetics (formerly Invitae), Labcorp); PubMed 19344236 (cited by Labcorp Genetics (formerly Invitae), Labcorp); PubMed 23720012 (cited by Labcorp Genetics (formerly Invitae), Labcorp); PubMed 27627812 (cited by Labcorp Genetics (formerly Invitae), Labcorp); PubMed 8940267 (cited by Labcorp Genetics (formerly Invitae), Labcorp); PubMed 21505094 (cited by Labcorp Genetics (formerly Invitae), Labcorp and Department of Reproductive Genetics, International Peace Maternity and Child Health Hospital, Shanghai Jiao Tong University School of Medicine); PubMed 20378821 (cited by Labcorp Genetics (formerly Invitae), Labcorp).

NM_033380.3(COL4A5):c.3613G>A (p.Gly1205Ser)

Gene: COL4A5 (collagen type IV alpha 5 chain; plus strand). Cytogenetic location: Xq22.3.
Variant type: single nucleotide variant.
Coding change: c.3613G>A on transcript NM_033380.3 (MANE Select); coding-DNA position 3613, G replaced by A.
Protein change: p.Gly1205Ser; replaces glycine 1205 with serine.
Molecular consequence: missense variant.
Genome position (GRCh38, 1-based): chrX:108,668,327, G>A. VCF-style: chrX-108668327-G-A. GRCh37 (hg19) VCF-style: chrX-107911557-G-A.
Other names: c.3613G>A, p.Gly1205Ser (NM_000495.5); short protein forms G1205S.
Identifiers: ClinVar variation 1360173 (VCV001360173.6), dbSNP rs104886245, ClinGen allele CA258909.
Genomic context (GRCh38, chrX:108,668,327, plus strand): 5'-CAAGCTTGTAACTCGGTATTATTTATCTTCTAATTATACTTTACTTTCATAGGCCAAAAG[G>A]GTGATGGAGGATTACCTGGGATTCCAGGAAATCCTGGCCTTCCAGGTCCAAAGGGCGAAC-3'
Protein context (NP_203699.1, residues 1195-1215): PGLPGLSGQK[Gly1205Ser]DGGLPGIPGN